The following is an entry in ClinVar:

NM_001365536.1(SCN9A):c.1198G>A (p.Val400Met)

Genes: SCN1A-AS1 (SCN1A and SCN9A antisense RNA 1; plus strand), SCN9A (sodium voltage-gated channel alpha subunit 9; minus strand). Cytogenetic location: 2q24.3.
Variant type: single nucleotide variant.
Coding change: c.1198G>A on transcript NM_001365536.1 (MANE Select); coding-DNA position 1198, G replaced by A.
Protein change: p.Val400Met; replaces valine 400 with methionine.
Molecular consequence: missense variant.
Genome position (GRCh38, 1-based): chr2:166,288,553, C>T on the plus strand (G>A on the coding strand, the complement: SCN9A is on the minus strand). VCF-style: chr2-166288553-C-T. GRCh37 (hg19) VCF-style: chr2-167145063-C-T.
Other names: c.1198G>A, p.Val400Met (NM_002977.4); short protein forms V400M.
Identifiers: ClinVar variation 538468 (VCV000538468.47), dbSNP rs1553491169, ClinGen allele CA349085902.
Genomic context (GRCh38, chr2:166,288,553, plus strand): 5'-CTTTCTGTTTAGCTTCTTCAATGTTTGCCTGGTTCTGTTCTTCATATGCCATGGCAACCA[C>T]AGCCAGGATCAAGTTTATTAGATAAAAGGAGCCCAGGAAAATCACTACGACAAAGAAGAT-3'
Protein context (NP_001352465.1, residues 390-410): SFYLINLILA[Val400Met]VAMAYEEQNQ

ClinVar aggregate classification (germline): Pathogenic. Review status: criteria provided, multiple submitters, no conflicts (2 of 4 stars). 3 submissions from 3 submitters: Pathogenic (2). 1 of the submissions does not count toward it. Last evaluated 2024-05-02.

Conditions:
Primary erythromelalgia. Also called: SCN9A Erythromelalgia (SCN9A-EM); primary erythermalgia. Identifiers: Orphanet 306577, Orphanet 90026, MedGen C0014805, MONDO:0007571, OMIM 133020.
Neuropathy, hereditary sensory and autonomic, type 2A (HSAN2A). Also called: MORVAN DISEASE; NEUROPATHY, CONGENITAL SENSORY; NEUROPATHY, HEREDITARY SENSORY RADICULAR, AUTOSOMAL RECESSIVE; NEUROPATHY, HEREDITARY SENSORY, TYPE IIA; NEUROPATHY, PROGRESSIVE SENSORY, OF CHILDREN; WNK1-Related HSAN2 (HSAN2A). Identifiers: Orphanet 970, MedGen C2752089, MONDO:0024309, OMIM 201300.
Generalized epilepsy with febrile seizures plus, type 7 (GEFSP7). Also called: GEFS+, TYPE 7. Identifiers: Orphanet 36387, MedGen C2751778, MONDO:0013470, OMIM 613863.

Submissions (3):

Labcorp Genetics (formerly Invitae), Labcorp
Classification: Pathogenic for Neuropathy, hereditary sensory and autonomic, type 2A; Generalized epilepsy with febrile seizures plus, type 7. Last evaluated: 2024-05-02. Review status: criteria provided, single submitter. Criteria: Invitae Variant Classification Sherloc (09022015). Collection method: clinical testing. Allele origin: germline.
Comment: This sequence change replaces valine, which is neutral and non-polar, with methionine, which is neutral and non-polar, at codon 400 of the SCN9A protein (p.Val400Met). This variant is not present in population databases (gnomAD no frequency). This missense change has been observed in individuals with autosomal dominant primary erythromelalgia (PMID: 19557861, 33688580). It has also been observed to segregate with disease in related individuals. ClinVar contains an entry for this variant (Variation ID: 538468). Advanced modeling of protein sequence and biophysical properties (such as structural, functional, and spatial information, amino acid conservation, physicochemical variation, residue mobility, and thermodynamic stability) has been performed at Invitae for this missense variant, however the output from this modeling did not meet the statistical confidence thresholds required to predict the impact of this variant on SCN9A protein function. Experimental studies have shown that this missense change affects SCN9A function (PMID: 19557861, 23149731). For these reasons, this variant has been classified as Pathogenic.

CeGaT Center for Human Genetics Tuebingen
Classification: Pathogenic. Last evaluated: 2020-11-01. Review status: criteria provided, single submitter. Criteria: CeGaT Center For Human Genetics Tuebingen Variant Classification Criteria Version 2. Collection method: clinical testing. Allele origin: germline. Affected: yes. Observed: 2 variant alleles.

GeneReviews
No classification provided. Condition: Primary erythromelalgia. Review status: no classification provided. Collection method: literature only. Allele origin: germline. Not counted in ClinVar's aggregate classification.

Literature cited by the submitters: PubMed 19557861 (cited by Labcorp Genetics (formerly Invitae), Labcorp and GeneReviews); PubMed 33688580 (cited by Labcorp Genetics (formerly Invitae), Labcorp); PubMed 23149731 (cited by Labcorp Genetics (formerly Invitae), Labcorp); PubMed 20301342 (cited by GeneReviews).